The following is an entry in ClinVar:

NM_000901.5(NR3C2):c.236A>G (p.Asn79Ser)

Gene: NR3C2 (nuclear receptor subfamily 3 group C member 2; minus strand). Cytogenetic location: 4q31.23.
Variant type: single nucleotide variant.
Coding change: c.236A>G on transcript NM_000901.5 (MANE Select); coding-DNA position 236, A replaced by G.
Protein change: p.Asn79Ser; replaces asparagine 79 with serine.
Molecular consequence: missense variant. On other transcripts: non-coding transcript variant (1).
Genome position (GRCh38, 1-based): chr4:148,436,625, T>C on the plus strand (A>G on the coding strand, the complement: NR3C2 is on the minus strand). VCF-style: chr4-148436625-T-C. GRCh37 (hg19) VCF-style: chr4-149357777-T-C.
Other names: c.236A>G, p.Asn79Ser (NM_001166104.2, NM_001354819.1, NM_001437654.1 and 4 more transcripts); short protein forms N79S.
Identifiers: ClinVar variation 4740313 (VCV004740313.1).
Genomic context (GRCh38, chr4:148,436,625, plus strand): 5'-GCTGAAAGTTCCTTAGATTCCAGCTCAGTTTTAATATCAGATGTTAAAATCCCAGGCCGA[T>C]TATTGTCTTGCTGAAGGCAAGGGAGTAGTTCTTGTTTTTCTTTGCTGCTTCCTTGAGTAC-3'
Protein context (NP_000892.2, residues 69-89): ELLPCLQQDN[Asn79Ser]RPGILTSDIK

ClinVar aggregate classification (germline): Uncertain significance (1 of 4 stars; one submission).

Submission:

Labcorp Genetics (formerly Invitae), Labcorp
Classification: Uncertain significance. Last evaluated: 2025-05-06. Review status: criteria provided, single submitter. Criteria: Invitae Variant Classification Sherloc (09022015). Collection method: clinical testing. Allele origin: germline.
Comment: This sequence change replaces asparagine, which is neutral and polar, with serine, which is neutral and polar, at codon 79 of the NR3C2 protein (p.Asn79Ser). This variant is not present in population databases (gnomAD no frequency). This variant has not been reported in the literature in individuals affected with NR3C2-related conditions. Invitae Evidence Modeling of protein sequence and biophysical properties (such as structural, functional, and spatial information, amino acid conservation, physicochemical variation, residue mobility, and thermodynamic stability) indicates that this missense variant is not expected to disrupt NR3C2 protein function with a negative predictive value of 80%. In summary, the available evidence is currently insufficient to determine the role of this variant in disease. Therefore, it has been classified as a Variant of Uncertain Significance.